The following is an entry in ClinVar:

ClinVar aggregate classification (germline): Likely pathogenic (1 of 4 stars; one submission).

Conditions:
Dilated cardiomyopathy 1G (CMD1G). Identifiers: Orphanet 154, MedGen C1858763, MONDO:0011400, OMIM 604145.
Autosomal recessive limb-girdle muscular dystrophy type 2J (LGMDR10). Also called: Limb-girdle muscular dystrophy, type 2J; MUSCULAR DYSTROPHY, LIMB-GIRDLE, AUTOSOMAL RECESSIVE 10. Identifiers: Orphanet 140922, MedGen C1837342, MONDO:0012127, OMIM 608807.

Submission:

Labcorp Genetics (formerly Invitae), Labcorp
Classification: Likely pathogenic for Dilated cardiomyopathy 1G; Autosomal recessive limb-girdle muscular dystrophy type 2J. Last evaluated: 2025-07-29. Review status: criteria provided, single submitter. Criteria: Invitae Variant Classification Sherloc (09022015). Collection method: clinical testing. Allele origin: germline.
Comment: This sequence change creates a premature translational stop signal (p.Gln31154Aspfs*14) in the TTN gene. While this is not anticipated to result in nonsense mediated decay, it is expected to create a truncated TTN protein. This variant is not present in population databases (gnomAD no frequency). This variant has not been reported in the literature in individuals affected with TTN-related conditions. This variant is located in the A band of TTN (PMID: 25589632). Truncating variants in this region are significantly overrepresented in patients affected with dilated cardiomyopathy (PMID: 25589632). Truncating variants in this region have also been reported in individuals affected with autosomal recessive centronuclear myopathy (PMID: 23975875). In summary, the currently available evidence indicates that the variant is pathogenic, but additional data are needed to prove that conclusively. Therefore, this variant has been classified as Likely Pathogenic.

Literature cited by the submitters: PubMed 25589632; PubMed 23975875.

NM_001267550.2(TTN):c.93459_93465del (p.Gln31154fs)

Genes: TTN-AS1 (TTN antisense RNA 1; plus strand), TTN (titin; minus strand). Cytogenetic location: 2q31.2.
Variant type: Deletion.
Coding change: c.93459_93465del on transcript NM_001267550.2 (MANE Select); coding-DNA positions 93459 to 93465, 7 bases deleted (ACAAAAG; older notation c.93459_93465delACAAAAG).
Protein change: p.Gln31154fs; shifts the reading frame from glutamine 31154.
Molecular consequence: frameshift variant.
Genome position (GRCh38, 1-based): chr2:178,548,161-178,548,167, CTTTTGT deleted on the plus strand (ACAAAAG on the coding strand, the reverse complement: TTN is on the minus strand); deleting any 7 consecutive bases within chr2:178,548,161-178,548,169 gives the same sequence; the c. name uses the placement nearest the transcript's 3' end. VCF-style (leftmost placement, unchanged base first): chr2-178548160-CCTTTTGT-C. GRCh37 (hg19) VCF-style: chr2-179412887-CCTTTTGT-C.
Other names: c.88536_88542del, p.Gln29513fs (NM_001256850.1); c.66264_66270del, p.Gln22089fs (NM_003319.4); c.85755_85761del, p.Gln28586fs (NM_133378.4); c.66639_66645del, p.Gln22214fs (NM_133432.3); c.66840_66846del, p.Gln22281fs (NM_133437.4); short protein forms Q28586fs, Q22089fs, Q22214fs, Q22281fs, Q29513fs, Q31154fs.
Identifiers: ClinVar variation 4782366 (VCV004782366.1).